The following is an entry in ClinVar:

ClinVar aggregate classification (germline): Uncertain significance. Review status: criteria provided, single submitter (1 of 4 stars). 2 submissions from 2 submitters: Uncertain significance (1). 1 of the submissions does not count toward it. Last evaluated 2024-11-12.

Conditions:
Autosomal recessive osteopetrosis 1. Also called: ALBERS-SCHONBERG DISEASE, AUTOSOMAL RECESSIVE; TCIRG1-Related Osteopetrosis; TCIRG1-Related Autosomal Recessive Osteopetrosis. Identifiers: Orphanet 667, MedGen C1850127, MONDO:0009815, OMIM 259700.

Allele frequency attached by ClinVar (database versions not stated): gnomAD exomes 0.00004 and 0.00009; gnomAD 0.00007; ESP Exome Variant Server 0.00008; TOPMed 0.00008; ExAC 0.00012.
gnomAD v4.1: 68 of 1,604,210 alleles (0.0042%); highest among the groups gnomAD compares: Admixed American, 0.0034%; no homozygotes.

Submissions (2):

Labcorp Genetics (formerly Invitae), Labcorp
Classification: Uncertain significance. Last evaluated: 2024-11-12. Review status: criteria provided, single submitter. Criteria: Invitae Variant Classification Sherloc (09022015). Collection method: clinical testing. Allele origin: germline.
Comment: This sequence change replaces threonine, which is neutral and polar, with methionine, which is neutral and non-polar, at codon 314 of the TCIRG1 protein (p.Thr314Met). This variant is present in population databases (rs367818260, gnomAD 0.2%). This variant has not been reported in the literature in individuals affected with TCIRG1-related conditions. ClinVar contains an entry for this variant (Variation ID: 1022867). Invitae Evidence Modeling of protein sequence and biophysical properties (such as structural, functional, and spatial information, amino acid conservation, physicochemical variation, residue mobility, and thermodynamic stability) indicates that this missense variant is not expected to disrupt TCIRG1 protein function with a negative predictive value of 80%. In summary, the available evidence is currently insufficient to determine the role of this variant in disease. Therefore, it has been classified as a Variant of Uncertain Significance.

Natera, Inc.
Classification: Uncertain significance for Infantile malignant osteopetrosis. Last evaluated: 2020-01-24. Review status: no assertion criteria provided. Collection method: clinical testing. Allele origin: germline. Not counted in ClinVar's aggregate classification.

NM_006019.4(TCIRG1):c.941C>T (p.Thr314Met)

Gene: TCIRG1 (T cell immune regulator 1, ATPase H+ transporting V0 subunit a3; plus strand). Cytogenetic location: 11q13.2.
Variant type: single nucleotide variant.
Coding change: c.941C>T on transcript NM_006019.4 (MANE Select); coding-DNA position 941, C replaced by T.
Protein change: p.Thr314Met; replaces threonine 314 with methionine.
Molecular consequence: missense variant.
Genome position (GRCh38, 1-based): chr11:68,044,265, C>T. VCF-style: chr11-68044265-C-T. GRCh37 (hg19) VCF-style: chr11-67811732-C-T.
Other names: c.47C>T, p.Thr16Met (NM_001351059.2); c.293C>T, p.Thr98Met (NM_006053.4); short protein forms T16M, T314M, T98M.
Identifiers: ClinVar variation 1022867 (VCV001022867.4), dbSNP rs367818260, ClinGen allele CA6146850.
Genomic context (GRCh38, chr11:68,044,265, plus strand): 5'-TGCAGGTCCACAAGATGAAGGCCGTGTACCTGGCCCTGAACCAGTGCAGCGTGAGCACCA[C>T]GCACAAGTGCCTCATTGCCGAGGCCTGGTGCTCTGTGCGAGACCTGCCCGCCCTGCAGGA-3'
Protein context (NP_006010.2, residues 304-324): LALNQCSVST[Thr314Met]HKCLIAEAWC